The following is an entry in ClinVar:

ClinVar aggregate classification (germline): Uncertain significance (1 of 4 stars; one submission).

Allele frequency attached by ClinVar (database versions not stated): gnomAD exomes below 0.00001; TOPMed 0.00001.
gnomAD v4.1: 4 of 1,614,072 alleles (0.00025%); highest among the groups gnomAD compares: Non-Finnish European, 0.00034%; no homozygotes.

Submission:

Center for Pediatric Genomic Medicine, Children's Mercy Hospital and Clinics
Classification: Uncertain significance. Last evaluated: 2016-09-22. Review status: criteria provided, single submitter. Criteria: ACMG Guidelines, 2015. Collection method: clinical testing. Allele origin: germline.
ClinVar note: Converted during submission from Uncertain Significance to Uncertain significance.

NM_005422.4(TECTA):c.5760C>A (p.Asn1920Lys)

Genes: TBCEL-TECTA (TBCEL-TECTA readthrough; plus strand), TECTA (tectorin alpha; plus strand). Cytogenetic location: 11q23.3.
Variant type: single nucleotide variant.
Coding change: c.5760C>A on transcript NM_005422.4 (MANE Select); coding-DNA position 5760, C replaced by A.
Protein change: p.Asn1920Lys; replaces asparagine 1920 with lysine.
Molecular consequence: missense variant.
Genome position (GRCh38, 1-based): chr11:121,168,686, C>A. VCF-style: chr11-121168686-C-A. GRCh37 (hg19) VCF-style: chr11-121039395-C-A.
Other names: c.6702C>A, p.Asn2234Lys (NM_001378761.1); short protein forms N1920K, N2234K.
Identifiers: ClinVar variation 377314 (VCV000377314.3), dbSNP rs1057520192, ClinGen allele CA16603338.
Genomic context (GRCh38, chr11:121,168,686, plus strand): 5'-GAATAGGTAACATTGTTTTGGATTCCTGTCTCATAATTGTTTCCGTTTTAGTGTAATTAA[C>A]CTGACAGTTCCAACCCAAGAAGGCAGCTTCATCACCAAGATGGCTCTCTACAAAAACGCC-3'
Protein context (NP_005413.2, residues 1910-1930): SVVKPMLSVI[Asn1920Lys]LTVPTQEGSF